The following is an entry in ClinVar:

ClinVar aggregate classification (germline): Conflicting classifications of pathogenicity. Review status: criteria provided, conflicting classifications (1 of 4 stars). 3 submissions from 3 submitters: Uncertain significance (2); Likely benign (1). Last evaluated 2025-04-20.

Conditions:
Familial thoracic aortic aneurysm and aortic dissection (TAAD). Also called: Thoracic aortic aneurysms and dissections. Identifiers: Orphanet 91387, MedGen C4707243, MONDO:0019625.
Heterotopia, periventricular, X-linked dominant (PVNH1). Also called: PERIVENTRICULAR NODULAR HETEROTOPIA 1; X-linked periventricular heterotopia; PERIVENTRICULAR NODULAR HETEROTOPIA 4; HETEROTOPIA, PERIVENTRICULAR, 1. Identifiers: Orphanet 2149, Orphanet 82004, MedGen C1848213, MONDO:0010233, OMIM 300049.
Oto-palato-digital syndrome, type II (OPD2). Also called: FACIOPALATOOSSEOUS SYNDROME; OPD II SYNDROME; Otopalatodigital Syndrome Type 2 (FLNA-OPD2); Otopalatodigital Syndrome, Type II. Identifiers: Orphanet 669, Orphanet 90652, MedGen C1844696, MONDO:0010571, OMIM 304120.
Frontometaphyseal dysplasia (FMD1). Identifiers: Orphanet 1826, MedGen C0265293, MONDO:0015942.
Melnick-Needles syndrome (MNS). Also called: MELNICK-NEEDLES OSTEODYSPLASTY; OSTEODYSPLASTY OF MELNICK AND NEEDLES; Melnick-Needles Syndrome (FLNA-MNS). Identifiers: Orphanet 2484, MedGen C0025237, MONDO:0010650, OMIM 309350.

Allele frequency attached by ClinVar (database versions not stated): gnomAD exomes 0.00001 and 0.00002; ExAC 0.00003.
gnomAD v4.1: 6 of 1,211,110 alleles (0.0005%); highest among the groups gnomAD compares: East Asian, 0.0089%; no homozygotes.

Submissions (3):

Labcorp Genetics (formerly Invitae), Labcorp
Classification: Likely benign for Oto-palato-digital syndrome, type II; Heterotopia, periventricular, X-linked dominant; Frontometaphyseal dysplasia; Melnick-Needles syndrome. Last evaluated: 2025-04-20. Review status: criteria provided, single submitter. Criteria: Invitae Variant Classification Sherloc (09022015). Collection method: clinical testing. Allele origin: germline.

Ambry Genetics
Classification: Uncertain significance for Familial thoracic aortic aneurysm and aortic dissection. Last evaluated: 2024-05-15. Review status: criteria provided, single submitter. Criteria: Ambry Variant Classification Scheme 2023. Collection method: clinical testing. Allele origin: germline.
Comment: The p.Y2098C variant (also known as c.6293A>G), located in coding exon 37 of the FLNA gene, results from an A to G substitution at nucleotide position 6293. The tyrosine at codon 2098 is replaced by cysteine, an amino acid with highly dissimilar properties. Based on data from gnomAD, the G allele has an overall frequency of 0.0017% (3/181590) total alleles studied, with 1 hemizygote(s) observed. The highest observed frequency was 0.0221% (3/13549) of East Asian alleles. This amino acid position is highly conserved in available vertebrate species. In addition, this alteration is predicted to be deleterious by in silico analysis. Based on the available evidence, the clinical significance of this variant remains unclear.

GeneDx
Classification: Uncertain significance. Last evaluated: 2017-09-22. Review status: criteria provided, single submitter. Criteria: GeneDx Variant Classification (06012015). Collection method: clinical testing. Allele origin: germline. Affected: yes.
Comment: The Y2098C variant in the FLNA gene has not been reported previously as a pathogenic variant, nor as a benign variant, to our knowledge. The Y2098C variant is observed in 3/12863 (0.023%) alleles from individuals of East Asian background, including 1 hemizygous individual in the ExAC dataset (Lek et al., 2016). The Y2098C variant is a non-conservative amino acid substitution, which is likely to impact secondary protein structure as these residues differ in polarity, charge, size and/or other properties. This substitution occurs at a position that is conserved across species. In silico analysis predicts this variant is probably damaging to the protein structure/function.We interpret Y2098C as a variant of uncertain significance.

NM_001110556.2(FLNA):c.6317A>G (p.Tyr2106Cys)

Gene: FLNA (filamin A; minus strand). Cytogenetic location: Xq28.
Variant type: single nucleotide variant.
Coding change: c.6317A>G on transcript NM_001110556.2 (MANE Select); coding-DNA position 6317, A replaced by G.
Protein change: p.Tyr2106Cys; replaces tyrosine 2106 with cysteine.
Molecular consequence: missense variant.
Genome position (GRCh38, 1-based): chrX:154,352,834, T>C on the plus strand (A>G on the coding strand, the complement: FLNA is on the minus strand). VCF-style: chrX-154352834-T-C. GRCh37 (hg19) VCF-style: chrX-153581202-T-C.
Other names: c.6293A>G, p.Tyr2098Cys (NM_001456.4); short protein forms Y2098C, Y2106C.
Identifiers: ClinVar variation 452140 (VCV000452140.4), dbSNP rs781892077, ClinGen allele CA10560116.